The following is an entry in ClinVar:

ClinVar aggregate classification (germline): Uncertain significance (1 of 4 stars; one submission).

Conditions:
Complex cortical dysplasia with other brain malformations 4. Identifiers: MedGen C3809420, MONDO:0014171, OMIM 615412.

Submission:

MVZ Praenatalmedizin und Genetik Nuernberg
Classification: Uncertain significance for Complex cortical dysplasia with other brain malformations 4. Last evaluated: 2024-11-06. Review status: criteria provided, single submitter. Criteria: ACMG Guidelines, 2015. Collection method: clinical testing. Allele origin: germline.
Comment: The variant has not yet been recorded in the population-based database gnomAD (v.2, v.4) or the ClinVar database, nor has it been described in the literature. In silico predictions indicate a pathogenic effect of the variant (CADD 26.90, GERP 4.24, REVEL 0.891 uncertain, alphaMissense 0.644 likely pathogenic). In summary, based on the current data, we believe this to be a variant of uncertain clinical significance. Of note, due to high homology of the TUBG1 gene to the TUBG2 gene, we cannot currently determine with certainty whether the variant is located in TUBG1 or TUBG2.

NM_001070.5(TUBG1):c.952A>T (p.Ile318Phe)

Gene: TUBG1 (tubulin gamma 1; plus strand). Cytogenetic location: 17q21.2.
Variant type: single nucleotide variant.
Coding change: c.952A>T on transcript NM_001070.5 (MANE Select); coding-DNA position 952, A replaced by T.
Protein change: p.Ile318Phe; replaces isoleucine 318 with phenylalanine.
Molecular consequence: missense variant.
Genome position (GRCh38, 1-based): chr17:42,614,368, A>T. VCF-style: chr17-42614368-A-T. GRCh37 (hg19) VCF-style: chr17-40766386-A-T.
Other names: short protein forms I318F.
Identifiers: ClinVar variation 4813471 (VCV004813471.1).